The following is an entry in ClinVar:

ClinVar aggregate classification (germline): Pathogenic (1 of 4 stars; one submission).

Conditions:
Severe myoclonic epilepsy in infancy (DRVT). Also called: Epileptic encephalopathy, early infantile, 6 (Dravet syndrome); SEVERE MYOCLONIC EPILEPSY OF INFANCY; DEVELOPMENTAL AND EPILEPTIC ENCEPHALOPATHY 6A; Severe Myoclonic Epilepsy in Infancy (SMEI); Dravet syndrome. Identifiers: Orphanet 33069, MedGen C0751122, MONDO:0100135, OMIM 607208.

Submission:

Center for Bioinformatics, Peking University
Classification: Pathogenic for Dravet syndrome. Last evaluated: 2014-12-20. Review status: criteria provided, single submitter. Criteria: Xu et al. (Hum Mutat. 2015). Collection method: research. Allele origin: de novo. Affected: yes. Observed: 1 variant allele. Study: University Clinical Cooperation “985 Project” PKU-2014-1-1.
Comment: Dravet syndrome (DS) probands were recruited from the outpatient and inpatient child neurology units of Peking University First Hospital from 2005 till present. The study was approved by the Ethics Committee of Peking University First Hospital and the Institutional Review Board at Peking University. Participants or their parents provided written informed consent before enrollment. We collected a total of 267 mutations from 255 families with probands diagnosed with DS in China. All probands fulfilled the clinical diagnostic criteria.

NM_001165963.4(SCN1A):c.121A>T (p.Lys41Ter)

Gene: SCN1A (sodium voltage-gated channel alpha subunit 1; minus strand). Cytogenetic location: 2q24.3.
Variant type: single nucleotide variant.
Coding change: c.121A>T on transcript NM_001165963.4 (MANE Select); coding-DNA position 121, A replaced by T.
Protein change: p.Lys41Ter; replaces lysine 41 with a stop codon.
Molecular consequence: nonsense. On other transcripts: 5 prime UTR variant (1), non-coding transcript variant (1).
Genome position (GRCh38, 1-based): chr2:166,073,501, T>A on the plus strand (A>T on the coding strand, the complement: SCN1A is on the minus strand). VCF-style: chr2-166073501-T-A. GRCh37 (hg19) VCF-style: chr2-166930011-T-A.
Other names: c.121A>T, p.Lys41Ter (NM_001165964.3, NM_001202435.3, NM_001353948.2 and 10 more transcripts); c.-2305A>T (NM_001353961.2); short protein forms K41*.
Identifiers: ClinVar variation 189894 (VCV000189894.1), dbSNP rs764444350, ClinGen allele CA303232.